The following is an entry in ClinVar:

NM_001001557.4(GDF6):c.407-5C>T

Gene: GDF6 (growth differentiation factor 6; minus strand). Cytogenetic location: 8q22.1.
Variant type: single nucleotide variant.
Coding change: c.407-5C>T on transcript NM_001001557.4 (MANE Select); 5 bases into the intron before coding-DNA position 407, C replaced by T.
Molecular consequence: intron variant.
Genome position (GRCh38, 1-based): chr8:96,145,529, G>A on the plus strand (C>T on the coding strand, the complement: GDF6 is on the minus strand). VCF-style: chr8-96145529-G-A. GRCh37 (hg19) VCF-style: chr8-97157757-G-A.
Identifiers: ClinVar variation 913681 (VCV000913681.12), dbSNP rs758091453, ClinGen allele CA4815464.

ClinVar aggregate classification (germline): Likely benign. Review status: criteria provided, multiple submitters, no conflicts (2 of 4 stars). 2 submissions from 2 submitters: Likely benign (2). Last evaluated 2024-09-22.

Conditions:
Klippel-Feil syndrome 1, autosomal dominant (KFS1). Also called: CERVICAL VERTEBRAL FUSION, AUTOSOMAL DOMINANT. Identifiers: Orphanet 2345, MedGen C1861689, MONDO:0007306, OMIM 118100.
Isolated microphthalmia 4. Identifiers: Orphanet 2542, MedGen C2751307, MONDO:0013130, OMIM 613094.
Leber congenital amaurosis 17 (LCA17). Identifiers: Orphanet 65, MedGen C3715164, MONDO:0014145, OMIM 615360.
Microphthalmia, isolated, with coloboma 6 (MCOPCB6). Also called: Microphthalmia with coloboma 6, digenic; Microphthalmia with coloboma 6; MICROPHTHALMIA/COLOBOMA 6. Identifiers: Orphanet 98938, MedGen C3150968, MONDO:0013376, OMIM 613703.

Allele frequency attached by ClinVar (database versions not stated): gnomAD 0.00001; ExAC 0.00002; TOPMed 0.00002; gnomAD exomes 0.00003.
gnomAD v4.1: 104 of 1,597,664 alleles (0.0065%); highest among the groups gnomAD compares: Non-Finnish European, 0.0086%; no homozygotes.

Submissions (2):

Labcorp Genetics (formerly Invitae), Labcorp
Classification: Likely benign for Isolated microphthalmia 4; Leber congenital amaurosis 17; Klippel-Feil syndrome 1, autosomal dominant; Microphthalmia, isolated, with coloboma 6. Last evaluated: 2024-09-22. Review status: criteria provided, single submitter. Criteria: Invitae Variant Classification Sherloc (09022015). Collection method: clinical testing. Allele origin: germline.

Illumina Laboratory Services, Illumina
Classification: Likely benign for Klippel-Feil syndrome 1, autosomal dominant. Last evaluated: 2018-01-13. Review status: criteria provided, single submitter. Criteria: ICSL Variant Classification Criteria 13 December 2019. Collection method: clinical testing. Allele origin: germline.
Comment: This variant was observed in the ICSL laboratory as part of a predisposition screen in an ostensibly healthy population. It had not been previously curated by ICSL or reported in the Human Gene Mutation Database (HGMD: prior to June 1st, 2018), and was therefore a candidate for classification through an automated scoring system. Utilizing variant allele frequency, disease prevalence and penetrance estimates, and inheritance mode, an automated score was calculated to assess if this variant is too frequent to cause the disease. Based on the score and internal cut-off values, a variant classified as likely benign is not then subjected to further curation. The score for this variant resulted in a classification of likely benign for this disease.